The following is an entry in ClinVar:

ClinVar aggregate classification (germline): Benign/Likely benign. Review status: criteria provided, multiple submitters, no conflicts (2 of 4 stars). 7 submissions from 7 submitters: Benign (3); Likely benign (1). 3 of the submissions do not count toward it. Last evaluated 2026-01-31.

Conditions:
Tuberous sclerosis syndrome (TSC). Also called: Tuberous Sclerosis Complex; Tuberous sclerosis. Identifiers: Orphanet 805, MedGen C0041341, MONDO:0001734.
Tuberous sclerosis 2 (TSC2). Identifiers: Orphanet 805, MedGen C1860707, MONDO:0013199, OMIM 613254.

Allele frequency attached by ClinVar (database versions not stated): 1000 Genomes Project 30x 0.00016; TOPMed 0.00031; gnomAD 0.00040 and 0.00041; gnomAD exomes 0.00060 and 0.00062; ExAC 0.00077; 1000 Genomes Project 0.00020; ESP Exome Variant Server 0.00031.

Submissions (7):

Labcorp Genetics (formerly Invitae), Labcorp
Classification: Benign for Tuberous sclerosis 2. Last evaluated: 2026-01-31. Review status: criteria provided, single submitter. Criteria: Invitae Variant Classification Sherloc (09022015). Collection method: clinical testing. Allele origin: germline.

Blueprint Genetics
Classification: Likely benign. Last evaluated: 2024-09-30. Review status: criteria provided, single submitter. Criteria: ACMG Guidelines, 2015. Collection method: clinical testing. Allele origin: germline.

ARUP Laboratories, Molecular Genetics and Genomics, ARUP Laboratories
Classification: Benign. Last evaluated: 2023-11-30. Review status: criteria provided, single submitter. Criteria: ARUP Molecular Germline Variant Investigation Process 2024. Collection method: clinical testing. Allele origin: germline.

GeneDx
Classification: Benign. Last evaluated: 2013-02-15. Review status: criteria provided, single submitter. Criteria: GeneDx Variant Classification (06012015). Collection method: clinical testing. Allele origin: germline. Affected: yes.
Comment: This variant is considered likely benign or benign based on one or more of the following criteria: it is a conservative change, it occurs at a poorly conserved position in the protein, it is predicted to be benign by multiple in silico algorithms, and/or has population frequency not consistent with disease.

Clinical Genetics DNA and cytogenetics Diagnostics Lab, Erasmus MC, Erasmus Medical Center
Classification: Benign. Review status: no assertion criteria provided. Collection method: clinical testing. Allele origin: germline. Affected: yes. Study: VKGL Data-share Consensus. Not counted in ClinVar's aggregate classification.

Diagnostic Laboratory, Department of Genetics, University Medical Center Groningen
Classification: Likely benign. Review status: no assertion criteria provided. Collection method: clinical testing. Allele origin: germline. Affected: yes. Study: VKGL Data-share Consensus. Not counted in ClinVar's aggregate classification.

Tuberous sclerosis database (TSC2)
No classification provided. Condition: TSC. Review status: no classification provided. Criteria: Tuberous Sclerosis Database Assertion Criteria 2015. Collection method: curation. Allele origin: germline. Affected: yes. Not counted in ClinVar's aggregate classification.

NM_000548.5(TSC2):c.138+20C>G

Gene: TSC2 (TSC complex subunit 2; plus strand). Cytogenetic location: 16p13.3.
Variant type: single nucleotide variant.
Coding change: c.138+20C>G on transcript NM_000548.5 (MANE Select); 20 bases into the intron after coding-DNA position 138, C replaced by G.
Molecular consequence: intron variant.
Genome position (GRCh38, 1-based): chr16:2,048,773, C>G. VCF-style: chr16-2048773-C-G. GRCh37 (hg19) VCF-style: chr16-2098774-C-G.
Other names: c.138+20C>G (NM_001114382.3, NM_021055.3, NM_001370405.1 and 4 more transcripts); c.-89+20C>G (NM_001318831.2); c.-10+708C>G (NM_001318829.2); c.171+20C>G (NM_001318832.2).
Identifiers: ClinVar variation 49758 (VCV000049758.13), dbSNP rs45517092, ClinGen allele CA014650.